The following is an entry in ClinVar:

NM_004415.4(DSP):c.4267C>A (p.Leu1423Ile)

Gene: DSP (desmoplakin; plus strand). Cytogenetic location: 6p24.3.
Variant type: single nucleotide variant.
Coding change: c.4267C>A on transcript NM_004415.4 (MANE Select); coding-DNA position 4267, C replaced by A.
Protein change: p.Leu1423Ile; replaces leucine 1423 with isoleucine.
Molecular consequence: missense variant. On other transcripts: intron variant (2).
Genome position (GRCh38, 1-based): chr6:7,580,457, C>A. VCF-style: chr6-7580457-C-A. GRCh37 (hg19) VCF-style: chr6-7580690-C-A.
Other names: c.4267C>A (NM_004415.3); c.4050+217C>A (NM_001319034.2); c.3582+685C>A (NM_001008844.3); short protein forms L1423I.
Identifiers: ClinVar variation 2138937 (VCV002138937.5), dbSNP rs866653266, ClinGen allele CA362685924.

ClinVar aggregate classification (germline): Uncertain significance. Review status: criteria provided, multiple submitters, no conflicts (2 of 4 stars). 2 submissions from 2 submitters: Uncertain significance (2). Last evaluated 2025-02-17.

Conditions:
Cardiovascular phenotype. Identifiers: MedGen CN230736.
Arrhythmogenic cardiomyopathy with wooly hair and keratoderma. Also called: PALMOPLANTAR KERATODERMA WITH LEFT VENTRICULAR CARDIOMYOPATHY AND WOOLLY HAIR; Dilated cardiomyopathy with woolly hair and keratoderma; Arrhythmogenic cardiomyopathy with woolly hair and keratoderma; Carvajal syndrome. Identifiers: Orphanet 65282, MedGen C1854063, MONDO:0011581, OMIM 605676.
Arrhythmogenic right ventricular dysplasia 8 (ARVD8). Also called: ARRHYTHMOGENIC RIGHT VENTRICULAR DYSPLASIA, FAMILIAL, 8; ARRHYTHMOGENIC RIGHT VENTRICULAR CARDIOMYOPATHY 8; Arrhythmogenic Right Ventricular Dysplasia/Cardiomyopathy 8. Identifiers: MedGen C1843896, MONDO:0011831, OMIM 607450.

gnomAD v4.1: 2 of 1,614,000 alleles (0.00012%); highest among the groups gnomAD compares: Non-Finnish European, 0.00017%; no homozygotes.

Submissions (2):

Molecular Diagnostic Laboratory for Inherited Cardiovascular Disease, Montreal Heart Institute
Classification: Uncertain significance for Cardiovascular phenotype. Last evaluated: 2025-02-17. Review status: criteria provided, single submitter. Criteria: ACMG Guidelines, 2015. Collection method: clinical testing. Allele origin: germline. Affected: yes.

Labcorp Genetics (formerly Invitae), Labcorp
Classification: Uncertain significance for Arrhythmogenic cardiomyopathy with wooly hair and keratoderma; Arrhythmogenic right ventricular dysplasia 8. Last evaluated: 2021-12-23. Review status: criteria provided, single submitter. Criteria: Invitae Variant Classification Sherloc (09022015). Collection method: clinical testing. Allele origin: germline.
Comment: This sequence change replaces leucine, which is neutral and non-polar, with isoleucine, which is neutral and non-polar, at codon 1423 of the DSP protein (p.Leu1423Ile). In summary, the available evidence is currently insufficient to determine the role of this variant in disease. Therefore, it has been classified as a Variant of Uncertain Significance. Algorithms developed to predict the effect of missense changes on protein structure and function are either unavailable or do not agree on the potential impact of this missense change (SIFT: "Deleterious"; PolyPhen-2: "Probably Damaging"; Align-GVGD: "Class C0"). This variant has not been reported in the literature in individuals affected with DSP-related conditions. This variant is not present in population databases (gnomAD no frequency).